The following is an entry in ClinVar:

ClinVar aggregate classification (germline): Uncertain significance. Review status: criteria provided, multiple submitters, no conflicts (2 of 4 stars). 2 submissions from 2 submitters: Uncertain significance (2). Last evaluated 2024-03-15.

Conditions:
Inborn genetic diseases. Identifiers: MedGen C0950123, MeSH D030342.

Allele frequency attached by ClinVar (database versions not stated): gnomAD exomes below 0.00001; ExAC 0.00001.

Submissions (2):

Ambry Genetics
Classification: Uncertain significance for Inborn genetic diseases. Last evaluated: 2024-03-15. Review status: criteria provided, single submitter. Criteria: Ambry Variant Classification Scheme 2023. Collection method: clinical testing. Allele origin: germline.

Labcorp Genetics (formerly Invitae), Labcorp
Classification: Uncertain significance. Last evaluated: 2022-03-10. Review status: criteria provided, single submitter. Criteria: Invitae Variant Classification Sherloc (09022015). Collection method: clinical testing. Allele origin: germline.
Comment: In summary, the available evidence is currently insufficient to determine the role of this variant in disease. Therefore, it has been classified as a Variant of Uncertain Significance. Algorithms developed to predict the effect of missense changes on protein structure and function (SIFT, PolyPhen-2, Align-GVGD) all suggest that this variant is likely to be tolerated. ClinVar contains an entry for this variant (Variation ID: 1021095). This variant has not been reported in the literature in individuals affected with PDE6C-related conditions. This variant is present in population databases (rs759082069, gnomAD 0.006%). This sequence change replaces valine, which is neutral and non-polar, with phenylalanine, which is neutral and non-polar, at codon 44 of the PDE6C protein (p.Val44Phe).

NM_006204.4(PDE6C):c.130G>T (p.Val44Phe)

Gene: PDE6C (phosphodiesterase 6C; plus strand). Cytogenetic location: 10q23.33.
Variant type: single nucleotide variant.
Coding change: c.130G>T on transcript NM_006204.4 (MANE Select); coding-DNA position 130, G replaced by T.
Protein change: p.Val44Phe; replaces valine 44 with phenylalanine.
Molecular consequence: missense variant.
Genome position (GRCh38, 1-based): chr10:93,612,855, G>T. VCF-style: chr10-93612855-G-T. GRCh37 (hg19) VCF-style: chr10-95372612-G-T.
Other names: c.130G>T (NM_006204.3); short protein forms V44F.
Identifiers: ClinVar variation 1021095 (VCV001021095.9), dbSNP rs759082069, ClinGen allele CA5609766.
Genomic context (GRCh38, chr10:93,612,855, plus strand): 5'-TTTGACAGGAAGTTGCGGGTGGAGGTGCTGGGAGAAATCTTCAAGAACAGCCAGGTGCCA[G>T]TCCAGTCCAGCATGTCCTTCTCTGAGCTGACCCAGGTGGAGGAGTCAGCCCTGTGCTTGG-3'
Protein context (NP_006195.3, residues 34-54): GEIFKNSQVP[Val44Phe]QSSMSFSELT